The following is an entry in ClinVar:

ClinVar aggregate classification (germline): Uncertain significance. Review status: criteria provided, multiple submitters, no conflicts (2 of 4 stars). 2 submissions from 2 submitters: Uncertain significance (2). Last evaluated 2026-08-06.

Allele frequency attached by ClinVar (database versions not stated): gnomAD 0.00002.
gnomAD v4.1: 24 of 1,607,918 alleles (0.0015%); highest among the groups gnomAD compares: Non-Finnish European, 0.002%; no homozygotes.

Submissions (2):

OLLIN Analises Genomicas, OLLIN
Classification: Uncertain significance. Last evaluated: 2026-08-06. Review status: criteria provided, single submitter. Criteria: ACMG Guidelines 2015 PMID 25741868. Collection method: clinical testing. Allele origin: germline.
Comment: This missense variant, located in exon 8 (of 11), has been reported in ClinVar (accession VCV001163863.5) and in gnomAD with an allele frequency of 0.0015%. However, to our knowledge, it has not been reported in the scientific literature. In silico analysis is inconclusive regarding the impact of this variant. According to the currently available evidence, this variant has been classified as uncertain significance (PM2_P).

Mayo Clinic Laboratories, Mayo Clinic
Classification: Uncertain significance. Last evaluated: 2020-02-24. Review status: criteria provided, single submitter. Criteria: ACMG Guidelines, 2015. Collection method: clinical testing. Allele origin: germline. Observed: 1 variant allele.

NM_032581.4(HYCC1):c.656A>G (p.His219Arg)

Gene: HYCC1 (hyccin PI4KA lipid kinase complex subunit 1; minus strand). Cytogenetic location: 7p15.3.
Variant type: single nucleotide variant.
Coding change: c.656A>G on transcript NM_032581.4 (MANE Select); coding-DNA position 656, A replaced by G.
Protein change: p.His219Arg; replaces histidine 219 with arginine.
Molecular consequence: missense variant.
Genome position (GRCh38, 1-based): chr7:22,964,502, T>C on the plus strand (A>G on the coding strand, the complement: HYCC1 is on the minus strand). VCF-style: chr7-22964502-T-C. GRCh37 (hg19) VCF-style: chr7-23004121-T-C.
Other names: c.656A>G, p.His219Arg (NM_001363466.2, NM_001363467.2); short protein forms H219R.
Identifiers: ClinVar variation 1163863 (VCV001163863.6), dbSNP rs1784455710, ClinGen allele CA366974334.
Genomic context (GRCh38, chr7:22,964,502, plus strand): 5'-TGCACCATGAATCCTGAAGAAACTGGTATCCTGCTACTTATACCTTTATATTTTCTTACA[T>C]GTTGTCGAGGATATCCACAAACACAGATTCTAGAAAAACCAAAATAAATGTATTTCTAAA-3'
Protein context (NP_115970.2, residues 209-229): RICVCGYPRQ[His219Arg]VRKYKGISSR